The following is an entry in ClinVar:

ClinVar aggregate classification (germline): Conflicting classifications of pathogenicity. Review status: criteria provided, conflicting classifications (1 of 4 stars). 3 submissions from 3 submitters: Uncertain significance (2); Likely benign (1). Last evaluated 2026-03-05.

Conditions:
Inborn genetic diseases. Identifiers: MedGen C0950123, MeSH D030342.

Allele frequency attached by ClinVar (database versions not stated): gnomAD exomes 0.00007; 1000 Genomes Project 30x 0.00047; ExAC 0.00011; gnomAD 0.00010; TOPMed 0.00004; 1000 Genomes Project 0.00060.
gnomAD v4.1: 122 of 1,600,390 alleles (0.0076%); highest among the groups gnomAD compares: South Asian, 0.05%; 1 homozygote.

Submissions (3):

GeneDx
Classification: Uncertain significance. Last evaluated: 2026-03-05. Review status: criteria provided, single submitter. Criteria: GeneDx Variant Classification Process June 2021. Collection method: clinical testing. Allele origin: germline.
Comment: In silico analysis suggests that this missense variant does not alter protein structure/function; Has not been previously published as pathogenic or benign to our knowledge

Ambry Genetics
Classification: Likely benign for Inborn genetic diseases. Last evaluated: 2025-11-26. Review status: criteria provided, single submitter. Criteria: Ambry Variant Classification Scheme 2023. Collection method: clinical testing. Allele origin: germline.

Labcorp Genetics (formerly Invitae), Labcorp
Classification: Uncertain significance. Last evaluated: 2025-04-21. Review status: criteria provided, single submitter. Criteria: Invitae Variant Classification Sherloc (09022015). Collection method: clinical testing. Allele origin: germline.
Comment: This sequence change replaces asparagine, which is neutral and polar, with serine, which is neutral and polar, at codon 616 of the GFM2 protein (p.Asn616Ser). This variant is present in population databases (rs543482000, gnomAD 0.05%). This variant has not been reported in the literature in individuals affected with GFM2-related conditions. ClinVar contains an entry for this variant (Variation ID: 2715233). Invitae Evidence Modeling of protein sequence and biophysical properties (such as structural, functional, and spatial information, amino acid conservation, physicochemical variation, residue mobility, and thermodynamic stability) indicates that this missense variant is not expected to disrupt GFM2 protein function with a negative predictive value of 80%. In summary, the available evidence is currently insufficient to determine the role of this variant in disease. Therefore, it has been classified as a Variant of Uncertain Significance.

NM_032380.5(GFM2):c.1847A>G (p.Asn616Ser)

Gene: GFM2 (GTP dependent ribosome recycling factor mitochondrial 2; minus strand). Cytogenetic location: 5q13.3.
Variant type: single nucleotide variant.
Coding change: c.1847A>G on transcript NM_032380.5 (MANE Select); coding-DNA position 1847, A replaced by G.
Protein change: p.Asn616Ser; replaces asparagine 616 with serine.
Molecular consequence: missense variant. On other transcripts: non-coding transcript variant (1).
Genome position (GRCh38, 1-based): chr5:74,726,006, T>C on the plus strand (A>G on the coding strand, the complement: GFM2 is on the minus strand). VCF-style: chr5-74726006-T-C. GRCh37 (hg19) VCF-style: chr5-74021831-T-C.
Other names: c.1943A>G, p.Asn648Ser (NM_001281302.2); c.1706A>G, p.Asn569Ser (NM_170691.3); c.1847A>G (NM_032380.3); short protein forms N616S, N648S, N569S.
Identifiers: ClinVar variation 2715233 (VCV002715233.5), dbSNP rs543482000, ClinGen allele CA3306422.